The following is an entry in ClinVar:

NM_005477.3(HCN4):c.1541C>T (p.Thr514Ile)

Gene: HCN4 (hyperpolarization activated cyclic nucleotide gated potassium channel 4; minus strand). Cytogenetic location: 15q24.1.
Variant type: single nucleotide variant.
Coding change: c.1541C>T on transcript NM_005477.3 (MANE Select); coding-DNA position 1541, C replaced by T.
Protein change: p.Thr514Ile; replaces threonine 514 with isoleucine.
Molecular consequence: missense variant.
Genome position (GRCh38, 1-based): chr15:73,329,622, G>A on the plus strand (C>T on the coding strand, the complement: HCN4 is on the minus strand). VCF-style: chr15-73329622-G-A. GRCh37 (hg19) VCF-style: chr15-73621963-G-A.
Other names: short protein forms T514I.
Identifiers: ClinVar variation 3283652 (VCV003283652.1).

ClinVar aggregate classification (germline): Uncertain significance (1 of 4 stars; one submission).

Conditions:
Cardiovascular phenotype. Identifiers: MedGen CN230736.

Submission:

Ambry Genetics
Classification: Uncertain significance for Cardiovascular phenotype. Last evaluated: 2024-04-13. Review status: criteria provided, single submitter. Criteria: Ambry Variant Classification Scheme 2023. Collection method: clinical testing. Allele origin: germline.
Comment: The p.T514I variant (also known as c.1541C>T), located in coding exon 4 of the HCN4 gene, results from a C to T substitution at nucleotide position 1541. The threonine at codon 514 is replaced by isoleucine, an amino acid with similar properties. This amino acid position is conserved. In addition, this alteration is predicted to be deleterious by in silico analysis. Based on the available evidence, the clinical significance of this variant remains unclear.